The following is an entry in ClinVar:

NM_201384.3(PLEC):c.7948C>T (p.Arg2650Trp)

Gene: PLEC (plectin; minus strand). Cytogenetic location: 8q24.3.
Variant type: single nucleotide variant.
Coding change: c.7948C>T on transcript NM_201384.3 (MANE Select); coding-DNA position 7948, C replaced by T.
Protein change: p.Arg2650Trp; replaces arginine 2650 with tryptophan.
Molecular consequence: missense variant.
Genome position (GRCh38, 1-based): chr8:143,921,873, G>A on the plus strand (C>T on the coding strand, the complement: PLEC is on the minus strand). VCF-style: chr8-143921873-G-A. GRCh37 (hg19) VCF-style: chr8-144996041-G-A.
Other names: c.8029C>T, p.Arg2677Trp (NM_000445.5); c.7906C>T, p.Arg2636Trp (NM_201378.4); c.7882C>T, p.Arg2628Trp (NM_201379.3); c.8359C>T, p.Arg2787Trp (NM_201380.4); c.7852C>T, p.Arg2618Trp (NM_201381.3); c.7948C>T, p.Arg2650Trp (NM_201382.4); c.7960C>T, p.Arg2654Trp (NM_201383.3); short protein forms R2787W, R2618W, R2628W, R2636W, R2677W, R2650W, R2654W.
Identifiers: ClinVar variation 288677 (VCV000288677.10), dbSNP rs375555915, ClinGen allele CA4925472.

ClinVar aggregate classification (germline): Uncertain significance. Review status: criteria provided, multiple submitters, no conflicts (2 of 4 stars). 2 submissions from 2 submitters: Uncertain significance (2). Last evaluated 2026-01-22.

Conditions:
Epidermolysis bullosa simplex 5C, with pyloric atresia (EBS5C). Also called: Epidermolysis bullosa simplex with pyloric atresia; PLEC-Related Epidermolysis Bullosa with Pyloric Atresia; PLEC1-Related Epidermolysis Bullosa with Pyloric Atresia. Identifiers: Orphanet 158684, MedGen C2677349, MONDO:0012807, OMIM 612138.
Autosomal recessive limb-girdle muscular dystrophy type 2Q (LGMDR17). Also called: MUSCULAR DYSTROPHY, LIMB-GIRDLE, AUTOSOMAL RECESSIVE 17. Identifiers: Orphanet 254361, MedGen C3150989, MONDO:0013390, OMIM 613723.
Epidermolysis bullosa simplex, Ogna type (EBS5A). Also called: Pidermolysis bullosa simplex 5A, Ogna type; EPIDERMOLYSIS BULLOSA SIMPLEX 5A, OGNA TYPE. Identifiers: Orphanet 79401, MedGen C0432317, MONDO:0007555, OMIM 131950.
Epidermolysis bullosa simplex 5B, with muscular dystrophy (EBS5B). Also called: Epidermolysis bullosa simplex with muscular dystrophy; EPIDERMOLYSIS BULLOSA SIMPLEX AND LIMB-GIRDLE MUSCULAR DYSTROPHY. Identifiers: Orphanet 257, MedGen C2931072, MONDO:0009181, OMIM 226670.
Epidermolysis bullosa simplex with nail dystrophy (EBS5D). Identifiers: MedGen C4225309, MONDO:0014661, OMIM 616487.

Allele frequency attached by ClinVar (database versions not stated): ExAC 0.00001; gnomAD exomes 0.00001; TOPMed 0.00002; gnomAD 0.00003; ESP Exome Variant Server 0.00008.
gnomAD v4.1: 13 of 1,601,610 alleles (0.00081%); highest among the groups gnomAD compares: African/African-American, 0.0053%; no homozygotes.

Submissions (2):

Labcorp Genetics (formerly Invitae), Labcorp
Classification: Uncertain significance for Autosomal recessive limb-girdle muscular dystrophy type 2Q; Epidermolysis bullosa simplex, Ogna type; Epidermolysis bullosa simplex with nail dystrophy; Epidermolysis bullosa simplex 5C, with pyloric atresia; Epidermolysis bullosa simplex 5B, with muscular dystrophy. Last evaluated: 2026-01-22. Review status: criteria provided, single submitter. Criteria: Invitae Variant Classification Sherloc (09022015). Collection method: clinical testing. Allele origin: germline.
Comment: This sequence change replaces arginine, which is basic and polar, with tryptophan, which is neutral and slightly polar, at codon 2677 of the PLEC protein (p.Arg2677Trp). The frequency data for this variant in the population databases is considered unreliable, as metrics indicate poor data quality at this position in the gnomAD database. This variant has not been reported in the literature in individuals affected with PLEC-related conditions. ClinVar contains an entry for this variant (Variation ID: 288677). An algorithm developed to predict the effect of missense changes on protein structure and function (PolyPhen-2) suggests that this variant is likely to be disruptive. In summary, the available evidence is currently insufficient to determine the role of this variant in disease. Therefore, it has been classified as a Variant of Uncertain Significance.

Eurofins Ntd Llc (ga)
Classification: Uncertain significance. Last evaluated: 2016-06-14. Review status: criteria provided, single submitter. Criteria: EGL Classification Definitions 2015. Collection method: clinical testing. Allele origin: germline. Observed: 1 variant allele, 1 heterozygote.